The following is an entry in ClinVar:

NM_024675.4(PALB2):c.71_72insTTTTTTTTTTTTTTTTTTTTNNNNNNNNNNTAGAGATGGGGTTTCACCGTGTTAGCCAGGATGGTCTCGATCTCCTGACCTCGTGATCCACCCGCCTCGGCCTCCCAAAGTGCTGGGATTACAGGCGTGAGCCACCACGCCCGGCCGAAATTAGCATTCTT (p.Leu24delinsPhePhePhePhePhePhePheXaaXaaXaaXaaArgAspGlyValSerProCysTer)

Gene: PALB2 (partner and localizer of BRCA2; minus strand). Cytogenetic location: 16p12.2.
Variant type: Insertion.
Coding change: c.71_72insTTTTTTTTTTTTTTTTTTTTNNNNNNNNNNTAGAGATGGGGTTTCACCGTGTTAGCCAGGATGGTCTCGATCTCCTGACCTCGTGATCCACCCGCCTCGGCCTCCCAAAGTGCTGGGATTACAGGCGTGAGCCACCACGCCCGGCCGAAATTAGCATTCTT on transcript NM_024675.4 (MANE Select); coding-DNA positions 71 to 72, TTTTTTTTTTTTTTTTTTTTNNNNNNNNNNTAGAGATGGGGTTTCACCGTGTTAGCCAGGATGGTCTCGATCTCCTGACCTCGTGATCCACCCGCCTCGGCCTCCCAAAGTGCTGGGATTACAGGCGTGAGCCACCACGCCCGGCCGAAATTAGCATTCTT inserted.
Protein change: p.Leu24delinsPhePhePhePhePhePhePheXaaXaaXaaXaaArgAspGlyValSerProCysTer.
Molecular consequence: nonsense.
Genome position: GRCh38: chr16:23,638,121-23,638,122. GRCh37 (hg19): chr16:23,649,442-23,649,443.
Identifiers: ClinVar variation 1071488 (VCV001071488.8), dbSNP rs2142460813.

ClinVar aggregate classification (germline): Pathogenic (1 of 4 stars; one submission).

Conditions:
Familial cancer of breast. Also called: Hereditary breast cancer; hereditary breast carcinoma; BREAST CANCER, FAMILIAL. Identifiers: Orphanet 227535, MedGen C0346153, MONDO:0016419, OMIM 114480. Disease mechanism: loss of function.

Submission:

Labcorp Genetics (formerly Invitae), Labcorp
Classification: Pathogenic for Familial cancer of breast. Last evaluated: 2020-09-16. Review status: criteria provided, single submitter. Criteria: Invitae Variant Classification Sherloc (09022015). Collection method: clinical testing. Allele origin: germline.
Comment: For these reasons, this variant has been classified as Pathogenic. Retrotransposon insertions including LINE1 (L1), Alu, and SVA (SINE-VNTR-Alu) have been reported to be disease-causing through disruption of either a coding region or splice site (PMID: 19763152, 20307669, 22406018) and loss-of-function variants in PALB2 are known to be pathogenic (PMID: 17200668, 24136930, 25099575). This variant has not been reported in the literature in individuals with PALB2-related conditions. This sequence change inserts a large fragment of DNA, likely a transposable element, in exon 2 of the PALB2 gene (c.56_57insAlu), causing a frameshift at codon 19 (p.Glu19fs). The exact size and sequence of the insertion cannot be determined by the current assay. However, the insertion is expected to result in an absent or disrupted protein product.

Literature cited by the submitters: PubMed 19763152; PubMed 20307669; PubMed 22406018; PubMed 17200668; PubMed 24136930; PubMed 25099575.